The following is an entry in ClinVar:

ClinVar aggregate classification (germline): Pathogenic (1 of 4 stars; one submission).

Conditions:
Polycystic kidney disease, adult type (PKD1). Also called: Polycystic Kidney Disease 1, Autosomal Dominant; Polycystic kidney disease 1; Polycystic kidney disease 1, severe; POLYCYSTIC KIDNEY DISEASE, ADULT, TYPE I; Polycystic Kidney, Autosomal Dominant; POLYCYSTIC KIDNEY DISEASE 1 WITH OR WITHOUT POLYCYSTIC LIVER DISEASE. Identifiers: MedGen C3149841, MONDO:0008263, OMIM 173900.

Submission:

Victorian Clinical Genetics Services, Murdoch Childrens Research Institute
Classification: Pathogenic for Polycystic kidney disease, adult type. Last evaluated: 2026-03-15. Review status: criteria provided, single submitter. Criteria: ACMG Guidelines, 2015. Collection method: clinical testing. Allele origin: germline. Affected: yes.
Comment: This variant is classified as Pathogenic. Evidence in support of pathogenic classification: Variant is predicted to cause nonsense-mediated decay (NMD) and loss of protein (premature termination codon is located at least 54 nucleotides upstream of the final exon-exon junction); Variant is absent from gnomAD (v2, v3 and v4); Other NMD-predicted variants comparable to the one identified in this case have very strong previous evidence for pathogenicity (ClinVar). Additional information: This variant is heterozygous; This gene is associated with autosomal dominant disease. Polycystic kidney disease 1 (MIM#173900) is predominantly caused by monoallelic variants, with rare reports of biallelic variants causing disease (OMIM); Loss of function is a known mechanism of disease in this gene and is associated with polycystic kidney disease 1 (MIM#173900); Inheritance information for this variant is not currently available in this individual.

NM_001009944.3(PKD1):c.6607_6625dup (p.Val2209fs)

Gene: PKD1 (polycystin 1, transient receptor potential channel interacting; minus strand). Cytogenetic location: 16p13.3.
Variant type: Duplication.
Coding change: c.6607_6625dup on transcript NM_001009944.3 (MANE Select); coding-DNA positions 6607 to 6625, 19 bases duplicated (CGTGTGGCCCTGCCCGGCG).
Protein change: p.Val2209fs; shifts the reading frame from valine 2209.
Molecular consequence: frameshift variant.
Genome position (GRCh38, 1-based): chr16:2,108,542-2,108,560, CGCCGGGCAGGGCCACACG duplicated on the plus strand (CGTGTGGCCCTGCCCGGCG on the coding strand, the reverse complement: PKD1 is on the minus strand); duplicating any 19 consecutive bases within chr16:2,108,542-2,108,563 gives the same sequence; the c. name uses the placement nearest the transcript's 3' end. VCF-style (leftmost placement, unchanged base first): chr16-2108541-A-ACGCCGGGCAGGGCCACACG. GRCh37 (hg19) VCF-style: chr16-2158542-A-ACGCCGGGCAGGGCCACACG.
Other names: c.6607_6625dup, p.Val2209fs (NM_000296.4); short protein forms V2209fs.
Identifiers: ClinVar variation 4879615 (VCV004879615.1).